The following is an entry in ClinVar:

ClinVar aggregate classification (germline): Uncertain significance (1 of 4 stars; one submission).

Conditions:
Inborn genetic diseases. Identifiers: MedGen C0950123, MeSH D030342.

Submission:

Ambry Genetics
Classification: Uncertain significance for Inborn genetic diseases. Last evaluated: 2026-08-03. Review status: criteria provided, single submitter. Criteria: Ambry Variant Classification Scheme 2023. Collection method: clinical testing. Allele origin: germline.
Comment: The p.I213V variant (also known as c.637A>G), located in coding exon 1 of the SAMD9L gene, results from an A to G substitution at nucleotide position 637. The isoleucine at codon 213 is replaced by valine, an amino acid with highly similar properties. This amino acid position is conserved. In addition, this alteration is predicted to be tolerated by in silico analysis. Based on the available evidence, the clinical significance of this variant remains unclear.

NM_152703.5(SAMD9L):c.637A>G (p.Ile213Val)

Gene: SAMD9L (sterile alpha motif domain containing 9 like; minus strand). Cytogenetic location: 7q21.2.
Variant type: single nucleotide variant.
Coding change: c.637A>G on transcript NM_152703.5 (MANE Select); coding-DNA position 637, A replaced by G.
Protein change: p.Ile213Val; replaces isoleucine 213 with valine.
Molecular consequence: missense variant.
Genome position (GRCh38, 1-based): chr7:93,135,335, T>C on the plus strand (A>G on the coding strand, the complement: SAMD9L is on the minus strand). VCF-style: chr7-93135335-T-C. GRCh37 (hg19) VCF-style: chr7-92764648-T-C.
Other names: c.637A>G, p.Ile213Val (NM_001303496.3, NM_001303497.3, NM_001303498.3 and 5 more transcripts); short protein forms I213V.
Identifiers: ClinVar variation 5028929 (VCV005028929.1).